The following is an entry in ClinVar:

NM_000218.3(KCNQ1):c.1514+37705G>A

Genes: KCNQ1 (potassium voltage-gated channel subfamily Q member 1; plus strand), KCNQ1OT1 (KCNQ1 opposite strand/antisense transcript 1; minus strand). Cytogenetic location: 11p15.5.
Variant type: single nucleotide variant.
Coding change: c.1514+37705G>A on transcript NM_000218.3 (MANE Select); 37705 bases into the intron after coding-DNA position 1514, G replaced by A.
Molecular consequence: intron variant. On other transcripts: non-coding transcript variant (1).
Genome position (GRCh38, 1-based): chr11:2,699,786, G>A. VCF-style: chr11-2699786-G-A. GRCh37 (hg19) VCF-style: chr11-2721016-G-A.
Other names: c.1244+37705G>A (NM_001406837.1); c.1418+37705G>A (NM_001406836.1); c.974+37705G>A (NM_001406838.1); c.1133+37705G>A (NM_181798.2).
Identifiers: ClinVar variation 3771734 (VCV003771734.13).

ClinVar aggregate classification (germline): Likely benign (1 of 4 stars; one submission).

gnomAD v4.1: 329 of 396,964 alleles (0.083%); highest among the groups gnomAD compares: African/African-American, 0.12%; 3 homozygotes.

Submission:

CeGaT Center for Human Genetics Tuebingen
Classification: Likely benign. Last evaluated: 2026-09-01. Review status: criteria provided, single submitter. Criteria: CeGaT Center For Human Genetics Tuebingen Variant Classification Criteria Version 2. Collection method: clinical testing. Allele origin: germline. Affected: yes. Observed: 6 variant alleles.
Comment: KCNQ1OT1: BS2